The following is an entry in ClinVar:

ClinVar aggregate classification (germline): Pathogenic (1 of 4 stars; one submission).

Conditions:
Intellectual developmental disorder, X-linked 1. Also called: Atkin Flaitz Patil Smith syndrome; MENTAL RETARDATION, X-LINKED 18; MENTAL RETARDATION, X-LINKED 78; Intellectual disability, X-linked 1. Identifiers: Orphanet 777, MedGen C2931498, MONDO:0010656, OMIM 309530.

Submission:

Labcorp Genetics (formerly Invitae), Labcorp
Classification: Pathogenic for Intellectual developmental disorder, X-linked 1. Last evaluated: 2023-11-17. Review status: criteria provided, single submitter. Criteria: Invitae Variant Classification Sherloc (09022015). Collection method: clinical testing. Allele origin: germline.
Comment: This sequence change creates a premature translational stop signal (p.Ala350Leufs*14) in the IQSEC2 gene. It is expected to result in an absent or disrupted protein product. Loss-of-function variants in IQSEC2 are known to be pathogenic (PMID: 21686261, 26793055, 27665735). This variant is not present in population databases (gnomAD no frequency). This variant has not been reported in the literature in individuals affected with IQSEC2-related conditions. ClinVar contains an entry for this variant (Variation ID: 950788). For these reasons, this variant has been classified as Pathogenic.

Literature cited by the submitters: PubMed 21686261; PubMed 26793055; PubMed 27665735.

NM_001111125.3(IQSEC2):c.1048del (p.Ala350fs)

Gene: IQSEC2 (IQ motif and Sec7 domain ArfGEF 2; minus strand). Cytogenetic location: Xp11.22.
Variant type: Deletion.
Coding change: c.1048del on transcript NM_001111125.3 (MANE Select); coding-DNA position 1048, one base deleted (G; older notation c.1048delG).
Protein change: p.Ala350fs; shifts the reading frame from alanine 350.
Molecular consequence: frameshift variant.
Genome position (GRCh38, 1-based): chrX:53,254,883, C deleted on the plus strand (G on the coding strand, the reverse complement: IQSEC2 is on the minus strand); the first of 3 consecutive C bases (chrX:53,254,883-53,254,885); deleting any one gives the same sequence. VCF-style (leftmost placement, unchanged base first): chrX-53254882-GC-G. GRCh37 (hg19) VCF-style: chrX-53284064-GC-G.
Other names: c.433del, p.Ala145fs (NM_015075.2); short protein forms A145fs, A350fs.
Identifiers: ClinVar variation 950788 (VCV000950788.8), dbSNP rs2074443766, ClinGen allele CA1139667574.